The following is an entry in ClinVar:

NM_001042492.3(NF1):c.6857del (p.Asn2286fs)

Gene: NF1 (neurofibromin 1; plus strand). Cytogenetic location: 17q11.2.
Variant type: Deletion.
Coding change: c.6857del on transcript NM_001042492.3 (MANE Select); coding-DNA position 6857, one base deleted (A; older notation c.6857delA).
Protein change: p.Asn2286fs; shifts the reading frame from asparagine 2286.
Molecular consequence: frameshift variant.
Genome position (GRCh38, 1-based): chr17:31,338,741, A deleted; the last of 2 consecutive A bases (chr17:31,338,740-31,338,741); deleting either gives the same sequence. VCF-style (leftmost placement, unchanged base first): chr17-31338739-CA-C. GRCh37 (hg19) VCF-style: chr17-29665757-CA-C.
Other names: c.6794del, p.Asn2265fs (NM_000267.4); short protein forms N2286fs, N2265fs.
Identifiers: ClinVar variation 4718083 (VCV004718083.1).

ClinVar aggregate classification (germline): Pathogenic (1 of 4 stars; one submission).

Conditions:
Neurofibromatosis, type 1 (NF1). Also called: NEUROFIBROMATOSIS, TYPE I, SOMATIC; VON RECKLINGHAUSEN DISEASE; Peripheral type neurofibromatosis; Neurofibromatosis, type I. Identifiers: Orphanet 636, MedGen C0027831, MONDO:0018975, OMIM 162200. Disease mechanism: loss of function.

Submission:

Labcorp Genetics (formerly Invitae), Labcorp
Classification: Pathogenic for Neurofibromatosis, type 1. Last evaluated: 2025-04-22. Review status: criteria provided, single submitter. Criteria: Invitae Variant Classification Sherloc (09022015). Collection method: clinical testing. Allele origin: germline.
Comment: This sequence change creates a premature translational stop signal (p.Asn2265Thrfs*5) in the NF1 gene. It is expected to result in an absent or disrupted protein product. Loss-of-function variants in NF1 are known to be pathogenic (PMID: 10712197, 23913538). This variant is not present in population databases (gnomAD no frequency). This variant has not been reported in the literature in individuals affected with NF1-related conditions. Algorithms developed to predict the effect of sequence changes on RNA splicing suggest that this variant may disrupt the consensus splice site. For these reasons, this variant has been classified as Pathogenic.

Literature cited by the submitters: PubMed 10712197; PubMed 23913538.